The following is an entry in ClinVar:

NM_000168.6(GLI3):c.2434A>T (p.Thr812Ser)

Gene: GLI3 (GLI family zinc finger 3; minus strand). Cytogenetic location: 7p14.1.
Variant type: single nucleotide variant.
Coding change: c.2434A>T on transcript NM_000168.6 (MANE Select); coding-DNA position 2434, A replaced by T.
Protein change: p.Thr812Ser; replaces threonine 812 with serine.
Molecular consequence: missense variant.
Genome position (GRCh38, 1-based): chr7:41,966,639, T>A on the plus strand (A>T on the coding strand, the complement: GLI3 is on the minus strand). VCF-style: chr7-41966639-T-A. GRCh37 (hg19) VCF-style: chr7-42006237-T-A.
Other names: short protein forms T812S.
Identifiers: ClinVar variation 2168272 (VCV002168272.4), dbSNP rs1787192902, ClinGen allele CA367321095.

ClinVar aggregate classification (germline): Uncertain significance (1 of 4 stars; one submission).

Conditions:
Pallister-Hall syndrome (PHS). Also called: HYPOTHALAMIC HAMARTOBLASTOMA, HYPOPITUITARISM, IMPERFORATE ANUS, AND POSTAXIAL POLYDACTYLY; GLI3-Related Pallister-Hall Syndrome. Identifiers: Orphanet 672, MedGen C0265220, MONDO:0007804, OMIM 146510.
Greig cephalopolysyndactyly syndrome (GCPS). Also called: Greig syndrome; GLI3-Related Greig Cephalopolysyndactyly Syndrome; POLYSYNDACTYLY WITH PECULIAR SKULL SHAPE. Identifiers: Orphanet 380, MedGen C0265306, MONDO:0008287, OMIM 175700.

Allele frequency attached by ClinVar (database versions not stated): TOPMed 0.00001; gnomAD exomes 0.00004.
gnomAD v4.1: 53 of 1,614,064 alleles (0.0033%); highest among the groups gnomAD compares: Non-Finnish European, 0.0045%; no homozygotes.

Submission:

Labcorp Genetics (formerly Invitae), Labcorp
Classification: Uncertain significance for Pallister-Hall syndrome; Greig cephalopolysyndactyly syndrome. Last evaluated: 2025-04-09. Review status: criteria provided, single submitter. Criteria: Invitae Variant Classification Sherloc (09022015). Collection method: clinical testing. Allele origin: germline.
Comment: This sequence change replaces threonine, which is neutral and polar, with serine, which is neutral and polar, at codon 812 of the GLI3 protein (p.Thr812Ser). This variant is not present in population databases (gnomAD no frequency). This variant has not been reported in the literature in individuals affected with GLI3-related conditions. ClinVar contains an entry for this variant (Variation ID: 2168272). Invitae Evidence Modeling of protein sequence and biophysical properties (such as structural, functional, and spatial information, amino acid conservation, physicochemical variation, residue mobility, and thermodynamic stability) indicates that this missense variant is not expected to disrupt GLI3 protein function with a negative predictive value of 95%. In summary, the available evidence is currently insufficient to determine the role of this variant in disease. Therefore, it has been classified as a Variant of Uncertain Significance.